The following is an entry in ClinVar:

ClinVar aggregate classification (germline): Conflicting classifications of pathogenicity. Review status: criteria provided, conflicting classifications (1 of 4 stars). 8 submissions from 8 submitters: Uncertain significance (6); Likely benign (1). 1 of the submissions does not count toward it. Last evaluated 2025-07-24.

Conditions:
Familial thoracic aortic aneurysm and aortic dissection (TAAD). Also called: Thoracic aortic aneurysms and dissections. Identifiers: Orphanet 91387, MedGen C4707243, MONDO:0019625.
Aortic aneurysm, familial thoracic 4 (AAT4). Also called: AORTIC ANEURYSM/AORTIC DISSECTION AND PATENT DUCTUS ARTERIOSUS. Identifiers: MedGen C1851504, MONDO:0007568, OMIM 132900.

Allele frequency attached by ClinVar (database versions not stated): gnomAD exomes 0.00004 and 0.00008; ExAC 0.00007; ESP Exome Variant Server 0.00008; TOPMed 0.00011; gnomAD 0.00013 and 0.00014; 1000 Genomes Project 30x 0.00031; 1000 Genomes Project 0.00040.
gnomAD v4.1: 89 of 1,614,138 alleles (0.0055%); highest among the groups gnomAD compares: South Asian, 0.022%; no homozygotes.

Submissions (8):

Labcorp Genetics (formerly Invitae), Labcorp
Classification: Uncertain significance for Aortic aneurysm, familial thoracic 4. Last evaluated: 2025-07-24. Review status: criteria provided, single submitter. Criteria: Invitae Variant Classification Sherloc (09022015). Collection method: clinical testing. Allele origin: germline.
Comment: This sequence change replaces arginine, which is basic and polar, with glutamine, which is neutral and polar, at codon 1352 of the MYH11 protein (p.Arg1352Gln). This variant is present in population databases (rs150883363, gnomAD 0.03%). This variant has not been reported in the literature in individuals affected with MYH11-related conditions. ClinVar contains an entry for this variant (Variation ID: 374961). Invitae Evidence Modeling of protein sequence and biophysical properties (such as structural, functional, and spatial information, amino acid conservation, physicochemical variation, residue mobility, and thermodynamic stability) indicates that this missense variant is not expected to disrupt MYH11 protein function with a negative predictive value of 95%. In summary, the available evidence is currently insufficient to determine the role of this variant in disease. Therefore, it has been classified as a Variant of Uncertain Significance.

Ambry Genetics
Classification: Uncertain significance for Familial thoracic aortic aneurysm and aortic dissection. Last evaluated: 2025-03-29. Review status: criteria provided, single submitter. Criteria: Ambry Variant Classification Scheme 2023. Collection method: clinical testing. Allele origin: germline.
Comment: The p.R1345Q variant (also known as c.4034G>A), located in coding exon 29 of the MYH11 gene, results from a G to A substitution at nucleotide position 4034. The arginine at codon 1345 is replaced by glutamine, an amino acid with highly similar properties. This amino acid position is not well conserved in available vertebrate species. In addition, this alteration is predicted to be tolerated by in silico analysis. Since supporting evidence is limited at this time, the clinical significance of this alteration remains unclear.

All of Us Research Program, National Institutes of Health
Classification: Uncertain significance for Familial thoracic aortic aneurysm and aortic dissection. Last evaluated: 2024-09-23. Review status: criteria provided, single submitter. Criteria: ACMG Guidelines, 2015. Collection method: clinical testing. Allele origin: germline. Inheritance: Autosomal dominant inheritance. Observed: 22 variant alleles, 22 heterozygotes.
Comment: This missense variant replaces arginine with glutamine at codon 1352 of the MYH11 protein. Computational prediction tools indicate that this variant has a neutral impact on protein structure and function. To our knowledge, functional studies have not been reported for this variant. This variant has not been reported in individuals affected with MYH11-related disorders in the literature. This variant has been identified in 26/282210 chromosomes in the general population by the Genome Aggregation Database (gnomAD). The elevated variant allele frequency in the general population indicates that this variant may not be disease-causing. However, additional studies are necessary to determine the role of this variant in disease conclusively. Therefore, this variant is classified as a Variant of Uncertain Significance.

This study involves interpretation of variants in research participants for the purpose of population health screening. Participant phenotype was not available at the time of variant classification. Additional details can be found in publication PMID: 35346344, PMCID: PMC8962531

Mayo Clinic Laboratories, Mayo Clinic
Classification: Uncertain significance. Last evaluated: 2024-08-22. Review status: criteria provided, single submitter. Criteria: ACMG Guidelines, 2015. Collection method: clinical testing. Allele origin: germline. Observed: 1 variant allele.
Comment: BP4

GeneDx
Classification: Uncertain significance. Last evaluated: 2024-06-26. Review status: criteria provided, single submitter. Criteria: GeneDx Variant Classification Process June 2021. Collection method: clinical testing. Allele origin: germline. Affected: yes.
Comment: Has not been previously published as pathogenic or benign to our knowledge; In silico analysis indicates that this missense variant does not alter protein structure/function

Color Diagnostics, LLC DBA Color Health
Classification: Uncertain significance for Familial thoracic aortic aneurysm and aortic dissection. Last evaluated: 2024-03-05. Review status: criteria provided, single submitter. Criteria: ACMG Guidelines, 2015. Collection method: clinical testing. Allele origin: germline.
Comment: This missense variant replaces arginine with glutamine at codon 1352 of the MYH11 protein. Computational prediction tools indicate that this variant has a neutral impact on protein structure and function. To our knowledge, functional studies have not been reported for this variant. This variant has not been reported in individuals affected with MYH11-related disorders in the literature. This variant has been identified in 26/282210 chromosomes in the general population by the Genome Aggregation Database (gnomAD). The elevated variant allele frequency in the general population indicates that this variant may not be disease-causing. However, additional studies are necessary to determine the role of this variant in disease conclusively. Therefore, this variant is classified as a Variant of Uncertain Significance.

Women's Health and Genetics/Laboratory Corporation of America, LabCorp
Classification: Likely benign. Last evaluated: 2019-01-28. Review status: criteria provided, single submitter. Criteria: LabCorp Variant Classification Summary - May 2015. Collection method: clinical testing. Allele origin: germline.
Comment: Variant summary: MYH11 c.4055G>A (p.Arg1352Gln) results in a conservative amino acid change located in the Myosin tail domain of the encoded protein sequence. Four of five in-silico tools predict a benign effect of the variant on protein function. The variant allele was found at a frequency of 9.4e-05 in 276540 control chromosomes. The observed variant frequency is approximately 75 fold of the estimated maximal expected allele frequency for a pathogenic variant in MYH11 causing Aortopathy phenotype (1.3e-06), strongly suggesting that the variant is benign. To our knowledge, no occurrence of c.4055G>A in individuals affected with Aortopathy and no experimental evidence demonstrating its impact on protein function have been reported. One clinical diagnostic laboratory has submitted clinical-significance assessments for this variant to ClinVar after 2014 without evidence for independent evaluation and classified the variant as uncertain significance. Based on the evidence outlined above, the variant was classified as likely benign.

Knight Diagnostic Laboratories, Oregon Health and Sciences University
Classification: Uncertain significance for Aortic aneurysm, familial thoracic 4. Last evaluated: 2015-08-13. Review status: no assertion criteria provided. Criteria: ACMG Guidelines, 2015. Collection method: clinical testing. Allele origin: germline. Affected: no. Study: CSER-NextGen. Not counted in ClinVar's aggregate classification.

NM_002474.3(MYH11):c.4034G>A (p.Arg1345Gln)

Genes: MYH11 (myosin heavy chain 11; minus strand), NDE1 (nudE neurodevelopment protein 1; plus strand). Cytogenetic location: 16p13.11.
Variant type: single nucleotide variant.
Coding change: c.4034G>A on transcript NM_002474.3 (MANE Select); coding-DNA position 4034, G replaced by A.
Protein change: p.Arg1345Gln; replaces arginine 1345 with glutamine.
Molecular consequence: missense variant. On other transcripts: 3 prime UTR variant (2).
Genome position (GRCh38, 1-based): chr16:15,724,729, C>T on the plus strand (G>A on the coding strand, the complement: MYH11 is on the minus strand). VCF-style: chr16-15724729-C-T. GRCh37 (hg19) VCF-style: chr16-15818586-C-T.
Other names: p.Arg1352Gln; c.4055G>A, p.Arg1352Gln (NM_001040113.2, NM_001040114.2); c.4034G>A, p.Arg1345Gln (NM_022844.3); c.*478C>T (NM_001143979.2, NM_017668.3); short protein forms R1352Q, R1345Q.
Identifiers: ClinVar variation 374961 (VCV000374961.19), dbSNP rs150883363, ClinGen allele CA7921804.